The following is an entry in ClinVar:

ClinVar aggregate classification (germline): Uncertain significance (1 of 4 stars; one submission).

Conditions:
SEMA3A-related disorder. Also called: SEMA3A-related condition.

gnomAD v4.1: 1 of 1,612,140 alleles (0.000062%); highest among the groups gnomAD compares: African/African-American, 0.0013%; no homozygotes.

Submission:

PreventionGenetics, part of Exact Sciences
Classification: Uncertain significance for SEMA3A-related condition. Last evaluated: 2025-03-23. Review status: criteria provided, single submitter. Criteria: ACMG Guidelines, 2015. Collection method: clinical testing. Allele origin: germline.
Comment: The SEMA3A c.708C>G variant is predicted to result in the amino acid substitution p.Asp236Glu. To our knowledge, this variant has not been reported in the literature or in a large population database (gnomAD), indicating this variant is rare. At this time, the clinical significance of this variant is uncertain due to the absence of conclusive functional and genetic evidence.

NM_006080.3(SEMA3A):c.708C>G (p.Asp236Glu)

Gene: SEMA3A (semaphorin 3A; minus strand). Cytogenetic location: 7q21.11.
Variant type: single nucleotide variant.
Coding change: c.708C>G on transcript NM_006080.3 (MANE Select); coding-DNA position 708, C replaced by G.
Protein change: p.Asp236Glu; replaces aspartic acid 236 with glutamic acid.
Molecular consequence: missense variant.
Genome position (GRCh38, 1-based): chr7:84,014,311, G>C on the plus strand (C>G on the coding strand, the complement: SEMA3A is on the minus strand). VCF-style: chr7-84014311-G-C. GRCh37 (hg19) VCF-style: chr7-83643627-G-C.
Other names: short protein forms D236E.
Identifiers: ClinVar variation 4997532 (VCV004997532.1).